The following is an entry in ClinVar:

ClinVar aggregate classification (germline): Uncertain significance (1 of 4 stars; one submission).

Submission:

Labcorp Genetics (formerly Invitae), Labcorp
Classification: Uncertain significance. Last evaluated: 2026-01-05. Review status: criteria provided, single submitter. Criteria: Invitae Variant Classification Sherloc (09022015). Collection method: clinical testing. Allele origin: germline.
Comment: This sequence change replaces tryptophan, which is neutral and slightly polar, with cysteine, which is neutral and slightly polar, at codon 150 of the RP2 protein (p.Trp150Cys). This variant is not present in population databases (gnomAD no frequency). This variant has not been reported in the literature in individuals affected with RP2-related conditions. ClinVar contains an entry for this variant (Variation ID: 2099378). Invitae Evidence Modeling of protein sequence and biophysical properties (such as structural, functional, and spatial information, amino acid conservation, physicochemical variation, residue mobility, and thermodynamic stability) indicates that this missense variant is not expected to disrupt RP2 protein function with a negative predictive value of 95%. In summary, the available evidence is currently insufficient to determine the role of this variant in disease. Therefore, it has been classified as a Variant of Uncertain Significance.

NM_006915.3(RP2):c.450G>C (p.Trp150Cys)

Gene: RP2 (RP2 activator of ARL3 GTPase; plus strand). Cytogenetic location: Xp11.3.
Variant type: single nucleotide variant.
Coding change: c.450G>C on transcript NM_006915.3 (MANE Select); coding-DNA position 450, G replaced by C.
Protein change: p.Trp150Cys; replaces tryptophan 150 with cysteine.
Molecular consequence: missense variant.
Genome position (GRCh38, 1-based): chrX:46,853,823, G>C. VCF-style: chrX-46853823-G-C. GRCh37 (hg19) VCF-style: chrX-46713258-G-C.
Other names: short protein forms W150C.
Identifiers: ClinVar variation 2099378 (VCV002099378.4), dbSNP rs1924906177, ClinGen allele CA413039913.
Genomic context (GRCh38, chrX:46,853,823, plus strand): 5'-TTGTGCCACTCAACCCATCATTGAGTCTTCCTCAAATATCAAATTTGGATGTTTTCAATG[G>C]TACTATCCTGAATTAGCTTTCCAGTTCAAAGATGCAGGGCTAAGTATCTTCAACAATACA-3'
Protein context (NP_008846.2, residues 140-160): SSNIKFGCFQ[Trp150Cys]YYPELAFQFK